The following is an entry in ClinVar:

NM_001128148.3(TFRC):c.1486G>T (p.Val496Phe)

Gene: TFRC (transferrin receptor; minus strand). Cytogenetic location: 3q29.
Variant type: single nucleotide variant.
Coding change: c.1486G>T on transcript NM_001128148.3 (MANE Select); coding-DNA position 1486, G replaced by T.
Protein change: p.Val496Phe; replaces valine 496 with phenylalanine.
Molecular consequence: missense variant.
Genome position (GRCh38, 1-based): chr3:196,060,230, C>A on the plus strand (G>T on the coding strand, the complement: TFRC is on the minus strand). VCF-style: chr3-196060230-C-A. GRCh37 (hg19) VCF-style: chr3-195787101-C-A.
Other names: c.1486G>T, p.Val496Phe (NM_003234.4); c.1243G>T, p.Val415Phe (NM_001313965.2); c.640G>T, p.Val214Phe (NM_001313966.2); short protein forms V415F, V496F, V214F.
Identifiers: ClinVar variation 1345147 (VCV001345147.8), dbSNP rs2108641235, ClinGen allele CA355568364.
Genomic context (GRCh38, chr3:196,060,230, plus strand): 5'-ATATACTCACATTTTGCATTGTTTTCTCAATAAGCGTATACAACAGTGGGCTGGCAGAAA[C>A]CTTGAAGTTGCTGGTACCTGAAAATAAATTGTTTTATCATTGCCCCTTCTCCATTCCGAT-3'
Protein context (NP_001121620.1, residues 486-506): KAVLGTSNFK[Val496Phe]SASPLLYTLI

ClinVar aggregate classification (germline): Uncertain significance (1 of 4 stars; one submission).

Submission:

Labcorp Genetics (formerly Invitae), Labcorp
Classification: Uncertain significance. Last evaluated: 2021-04-26. Review status: criteria provided, single submitter. Criteria: Invitae Variant Classification Sherloc (09022015). Collection method: clinical testing. Allele origin: germline.
Comment: Algorithms developed to predict the effect of missense changes on protein structure and function are either unavailable or do not agree on the potential impact of this missense change (SIFT: "Deleterious"; PolyPhen-2: "Possibly Damaging"; Align-GVGD: "Class C0"). This sequence change replaces valine with phenylalanine at codon 496 of the TFRC protein (p.Val496Phe). The valine residue is moderately conserved and there is a small physicochemical difference between valine and phenylalanine. This variant is not present in population databases (ExAC no frequency). This variant has not been reported in the literature in individuals with TFRC-related conditions. In summary, the available evidence is currently insufficient to determine the role of this variant in disease. Therefore, it has been classified as a Variant of Uncertain Significance.